The following is an entry in ClinVar:

ClinVar aggregate classification (germline): Uncertain significance. Review status: criteria provided, multiple submitters, no conflicts (2 of 4 stars). 2 submissions from 2 submitters: Uncertain significance (2). Last evaluated 2025-12-19.

Conditions:
Psoriasis 2. Identifiers: MedGen C1864497, MONDO:0011269, OMIM 602723.
Pityriasis rubra pilaris (PRP). Also called: Pityriasis rubra pilaris--familial type. Identifiers: Orphanet 2897, MedGen C0032027, MONDO:0100017, OMIM 173200, MONDO:0008251.
Inborn genetic diseases. Identifiers: MedGen C0950123, MeSH D030342.

Allele frequency attached by ClinVar (database versions not stated): 1000 Genomes Project 30x 0.00016; 1000 Genomes Project 0.00020.

Submissions (2):

Labcorp Genetics (formerly Invitae), Labcorp
Classification: Uncertain significance for Pityriasis rubra pilaris; Psoriasis 2. Last evaluated: 2025-12-19. Review status: criteria provided, single submitter. Criteria: Invitae Variant Classification Sherloc (09022015). Collection method: clinical testing. Allele origin: germline.
Comment: This sequence change replaces threonine, which is neutral and polar, with isoleucine, which is neutral and non-polar, at codon 451 of the CARD14 protein (p.Thr451Ile). This variant is present in population databases (rs199571417, gnomAD 0.02%). This variant has not been reported in the literature in individuals affected with CARD14-related conditions. ClinVar contains an entry for this variant (Variation ID: 2925341). Invitae Evidence Modeling of protein sequence and biophysical properties (such as structural, functional, and spatial information, amino acid conservation, physicochemical variation, residue mobility, and thermodynamic stability) indicates that this missense variant is not expected to disrupt CARD14 protein function with a negative predictive value of 95%. In summary, the available evidence is currently insufficient to determine the role of this variant in disease. Therefore, it has been classified as a Variant of Uncertain Significance.

Ambry Genetics
Classification: Uncertain significance for Inborn genetic diseases. Last evaluated: 2025-06-19. Review status: criteria provided, single submitter. Criteria: Ambry Variant Classification Scheme 2023. Collection method: clinical testing. Allele origin: germline.

NM_001366385.1(CARD14):c.1352C>T (p.Thr451Ile)

Gene: CARD14 (caspase recruitment domain family member 14; plus strand). Cytogenetic location: 17q25.3.
Variant type: single nucleotide variant.
Coding change: c.1352C>T on transcript NM_001366385.1 (MANE Select); coding-DNA position 1352, C replaced by T.
Protein change: p.Thr451Ile; replaces threonine 451 with isoleucine.
Molecular consequence: missense variant. On other transcripts: non-coding transcript variant (1).
Genome position (GRCh38, 1-based): chr17:80,192,615, C>T. VCF-style: chr17-80192615-C-T. GRCh37 (hg19) VCF-style: chr17-78166414-C-T.
Other names: c.1352C>T, p.Thr451Ile (NM_001257970.1, NM_024110.4); c.641C>T, p.Thr214Ile (NM_052819.3); c.1352C>T (NM_024110.3); short protein forms T214I, T451I.
Identifiers: ClinVar variation 2925341 (VCV002925341.4), dbSNP rs199571417, ClinGen allele CA8816768.